The following is an entry in ClinVar:

ClinVar aggregate classification (germline): Uncertain significance (1 of 4 stars; one submission).

Conditions:
Inborn genetic diseases. Identifiers: MedGen C0950123, MeSH D030342.

Submission:

Ambry Genetics
Classification: Uncertain significance for Inborn genetic diseases. Last evaluated: 2025-08-01. Review status: criteria provided, single submitter. Criteria: Ambry Variant Classification Scheme 2023. Collection method: clinical testing. Allele origin: germline.
Comment: The p.R202L variant (also known as c.605G>T), located in coding exon 1 of the SH2B3 gene, results from a G to T substitution at nucleotide position 605. The arginine at codon 202 is replaced by leucine, an amino acid with dissimilar properties. This amino acid position is conserved. In addition, this alteration is predicted to be tolerated by in silico analysis. Based on the available evidence, the clinical significance of this variant remains unclear.

NM_005475.3(SH2B3):c.605G>T (p.Arg202Leu)

Gene: SH2B3 (SH2B adaptor protein 3; plus strand). Cytogenetic location: 12q24.12.
Variant type: single nucleotide variant.
Coding change: c.605G>T on transcript NM_005475.3 (MANE Select); coding-DNA position 605, G replaced by T.
Protein change: p.Arg202Leu; replaces arginine 202 with leucine.
Molecular consequence: missense variant.
Genome position (GRCh38, 1-based): chr12:111,418,750, G>T. VCF-style: chr12-111418750-G-T. GRCh37 (hg19) VCF-style: chr12-111856554-G-T.
Other names: short protein forms R202L.
Identifiers: ClinVar variation 4163973 (VCV004163973.1).